The following is an entry in ClinVar:

NM_001291303.3(FAT4):c.12915C>A (p.His4305Gln)

Gene: FAT4 (FAT atypical cadherin 4; plus strand). Cytogenetic location: 4q28.1.
Variant type: single nucleotide variant.
Coding change: c.12915C>A on transcript NM_001291303.3 (MANE Select); coding-DNA position 12915, C replaced by A.
Protein change: p.His4305Gln; replaces histidine 4305 with glutamine.
Molecular consequence: missense variant.
Genome position (GRCh38, 1-based): chr4:125,487,437, C>A. VCF-style: chr4-125487437-C-A. GRCh37 (hg19) VCF-style: chr4-126408592-C-A.
Other names: c.12915C>A, p.His4305Gln (NM_001291285.3, NM_001438396.1, NM_001438397.1); c.7686C>A, p.His2562Gln (NM_001437895.1); c.12909C>A, p.His4303Gln (NM_024582.6); short protein forms H2562Q, H4303Q, H4305Q.
Identifiers: ClinVar variation 4802701 (VCV004802701.1).
Genomic context (GRCh38, chr4:125,487,437, plus strand): 5'-TGCAGGAATTGCTGGGAAAGTGGAGAGAAATATTCCTGAAGTATATGTTGCAGACGGCCA[C>A]TGGCACACTTTTCTAATTGGGAAAAATGGAACAGCAACAGTATTGTCTGTTGACAGAATA-3'
Protein context (NP_001278232.1, residues 4295-4315): NIPEVYVADG[His4305Gln]WHTFLIGKNG

ClinVar aggregate classification (germline): Uncertain significance (1 of 4 stars; one submission).

Submission:

Labcorp Genetics (formerly Invitae), Labcorp
Classification: Uncertain significance. Last evaluated: 2025-02-27. Review status: criteria provided, single submitter. Criteria: Invitae Variant Classification Sherloc (09022015). Collection method: clinical testing. Allele origin: germline.
Comment: This sequence change replaces histidine, which is basic and polar, with glutamine, which is neutral and polar, at codon 4303 of the FAT4 protein (p.His4303Gln). This variant is not present in population databases (gnomAD no frequency). This variant has not been reported in the literature in individuals affected with FAT4-related conditions. Invitae Evidence Modeling of protein sequence and biophysical properties (such as structural, functional, and spatial information, amino acid conservation, physicochemical variation, residue mobility, and thermodynamic stability) indicates that this missense variant is not expected to disrupt FAT4 protein function with a negative predictive value of 95%. In summary, the available evidence is currently insufficient to determine the role of this variant in disease. Therefore, it has been classified as a Variant of Uncertain Significance.